The following is an entry in ClinVar:

ClinVar aggregate classification (germline): Uncertain significance. Review status: criteria provided, multiple submitters, no conflicts (2 of 4 stars). 5 submissions from 5 submitters: Uncertain significance (5). Last evaluated 2026-09-21.

Conditions:
TTN-related disorder. Also called: TTN-related disorders; TTN-related condition; TTN-related disease.
Autosomal recessive limb-girdle muscular dystrophy type 2J (LGMDR10). Also called: Limb-girdle muscular dystrophy, type 2J; MUSCULAR DYSTROPHY, LIMB-GIRDLE, AUTOSOMAL RECESSIVE 10. Identifiers: Orphanet 140922, MedGen C1837342, MONDO:0012127, OMIM 608807.
Dilated cardiomyopathy 1G (CMD1G). Identifiers: Orphanet 154, MedGen C1858763, MONDO:0011400, OMIM 604145.

Allele frequency attached by ClinVar (database versions not stated): ExAC 0.00001; gnomAD 0.00002 and 0.00003; gnomAD exomes 0.00002; TOPMed 0.00002.
gnomAD v4.1: 39 of 1,613,736 alleles (0.0024%); highest among the groups gnomAD compares: South Asian, 0.012%; no homozygotes.

Submissions (5):

PreventionGenetics, part of Exact Sciences
Classification: Uncertain significance for TTN-related condition. Last evaluated: 2026-09-21. Review status: criteria provided, single submitter. Criteria: ACMG Guidelines, 2015. Collection method: clinical testing. Allele origin: germline.
Comment: The TTN c.24115G>A variant is predicted to result in the amino acid substitution p.Val8039Ile. To our knowledge, this variant has not been reported in the literature. This variant is reported in 0.0065% of alleles in individuals of South Asian descent in gnomAD. At this time, the clinical significance of this variant is uncertain due to the absence of conclusive functional and genetic evidence.

Women's Health and Genetics/Laboratory Corporation of America, LabCorp
Classification: Uncertain significance. Last evaluated: 2025-07-28. Review status: criteria provided, single submitter. Criteria: LabCorp Variant Classification Summary - May 2015. Collection method: clinical testing. Allele origin: germline.
Comment: Variant summary: TTN c.20383G>A (p.Val6795Ile) results in a conservative amino acid change in the encoded protein sequence. Algorithms developed to predict the effect of missense changes on protein structure and function are either unavailable or do not agree on the potential impact of this missense change. The variant allele was found at a frequency of 1.6e-05 in 248730 control chromosomes. The available data on variant occurrences in the general population are insufficient to allow any conclusion about variant significance. c.20383G>A has been observed in an individual affected with Hypertrophic Cardiomyopathy who also harbored a pathogenic variant in MYBPC3 (Mademont-Soler_2017). This report does not provide unequivocal conclusions about association of the variant with Dilated Cardiomyopathy. To our knowledge, no experimental evidence demonstrating an impact on protein function has been reported. The following publication has been ascertained in the context of this evaluation (PMID: 28771489). ClinVar contains an entry for this variant (Variation ID: 404668). Based on the evidence outlined above, the variant was classified as uncertain significance.

Revvity Omics, Revvity
Classification: Uncertain significance. Last evaluated: 2024-09-25. Review status: criteria provided, single submitter. Criteria: ACMG Guidelines, 2015. Collection method: clinical testing. Allele origin: germline.

GeneDx
Classification: Uncertain significance. Last evaluated: 2023-04-12. Review status: criteria provided, single submitter. Criteria: GeneDx Variant Classification Process June 2021. Collection method: clinical testing. Allele origin: germline. Affected: yes.
Comment: Not observed at significant frequency in large population cohorts (gnomAD); Missense variant in a gene in which most reported pathogenic variants are truncating/loss of function; Has not been previously published as pathogenic or benign to our knowledge

Labcorp Genetics (formerly Invitae), Labcorp
Classification: Uncertain significance for Dilated cardiomyopathy 1G; Autosomal recessive limb-girdle muscular dystrophy type 2J. Last evaluated: 2017-12-18. Review status: criteria provided, single submitter. Criteria: Invitae Variant Classification Sherloc (09022015). Collection method: clinical testing. Allele origin: germline.

Literature cited by the submitters: PubMed 28771489 (cited by Women's Health and Genetics/Laboratory Corporation of America, LabCorp).

NM_001267550.2(TTN):c.24115G>A (p.Val8039Ile)

Gene: TTN (titin; minus strand). Cytogenetic location: 2q31.2.
Variant type: single nucleotide variant.
Coding change: c.24115G>A on transcript NM_001267550.2 (MANE Select); coding-DNA position 24115, G replaced by A.
Protein change: p.Val8039Ile; replaces valine 8039 with isoleucine.
Molecular consequence: missense variant. On other transcripts: intron variant (3).
Genome position (GRCh38, 1-based): chr2:178,719,275, C>T on the plus strand (G>A on the coding strand, the complement: TTN is on the minus strand). VCF-style: chr2-178719275-C-T. GRCh37 (hg19) VCF-style: chr2-179584002-C-T.
Other names: c.23164G>A, p.Val7722Ile (NM_001256850.1); c.20383G>A, p.Val6795Ile (NM_133378.4); c.13282+18807G>A (NM_003319.4); c.13858+18807G>A (NM_133437.4); c.13657+18807G>A (NM_133432.3); c.24115G>A (NM_001267550.1); short protein forms V8039I, V6795I, V7722I.
Identifiers: ClinVar variation 404668 (VCV000404668.7), dbSNP rs759655046, ClinGen allele CA2000499.